The following is an entry in ClinVar:

ClinVar aggregate classification (germline): Uncertain significance (1 of 4 stars; one submission).

Submission:

GeneDx
Classification: Uncertain significance. Last evaluated: 2023-11-22. Review status: criteria provided, single submitter. Criteria: GeneDx Variant Classification Process June 2021. Collection method: clinical testing. Allele origin: germline. Affected: yes.
Comment: Not observed at significant frequency in large population cohorts (gnomAD); In silico analysis supports that this missense variant does not alter protein structure/function; Has not been previously published as pathogenic or benign to our knowledge

NM_017617.5(NOTCH1):c.7363A>T (p.Thr2455Ser)

Gene: NOTCH1 (notch receptor 1; minus strand). Cytogenetic location: 9q34.3.
Variant type: single nucleotide variant.
Coding change: c.7363A>T on transcript NM_017617.5 (MANE Select); coding-DNA position 7363, A replaced by T.
Protein change: p.Thr2455Ser; replaces threonine 2455 with serine.
Molecular consequence: missense variant.
Genome position (GRCh38, 1-based): chr9:136,496,376, T>A on the plus strand (A>T on the coding strand, the complement: NOTCH1 is on the minus strand). VCF-style: chr9-136496376-T-A. GRCh37 (hg19) VCF-style: chr9-139390828-T-A.
Other names: short protein forms T2455S.
Identifiers: ClinVar variation 3364828 (VCV003364828.1).